The following is an entry in ClinVar:

NM_001164508.2(NEB):c.14807A>G (p.Asn4936Ser)

Gene: NEB (nebulin; minus strand). Cytogenetic location: 2q23.3.
Variant type: single nucleotide variant.
Coding change: c.14807A>G on transcript NM_001164508.2 (MANE Select); coding-DNA position 14807, A replaced by G.
Protein change: p.Asn4936Ser; replaces asparagine 4936 with serine.
Molecular consequence: missense variant. On other transcripts: intron variant (1).
Genome position (GRCh38, 1-based): chr2:151,592,053, T>C on the plus strand (A>G on the coding strand, the complement: NEB is on the minus strand). VCF-style: chr2-151592053-T-C. GRCh37 (hg19) VCF-style: chr2-152448567-T-C.
Other names: c.14807A>G, p.Asn4936Ser (NM_001164507.2, NM_001271208.2); c.11602-15699A>G (NM_004543.5); short protein forms N4936S.
Identifiers: ClinVar variation 386744 (VCV000386744.28), dbSNP rs139930220, ClinGen allele CA1908477.

ClinVar aggregate classification (germline): Likely benign. Review status: criteria provided, multiple submitters, no conflicts (2 of 4 stars). 4 submissions from 4 submitters: Likely benign (4). Last evaluated 2024-11-13.

Allele frequency attached by ClinVar (database versions not stated): gnomAD exomes 0.00030 and 0.00074; ExAC 0.00129; gnomAD 0.00271 and 0.00289; ESP Exome Variant Server 0.00285; TOPMed 0.00365; 1000 Genomes Project 0.00399; 1000 Genomes Project 30x 0.00468.
gnomAD v4.1: 868 of 1,549,524 alleles (0.056%); highest among the groups gnomAD compares: African/African-American, 0.9%; 1 homozygote.

Submissions (4):

Blueprint Genetics
Classification: Likely benign. Last evaluated: 2024-11-13. Review status: criteria provided, single submitter. Criteria: ACMG Guidelines, 2015. Collection method: clinical testing. Allele origin: germline.

CeGaT Center for Human Genetics Tuebingen
Classification: Likely benign. Last evaluated: 2023-04-01. Review status: criteria provided, single submitter. Criteria: CeGaT Center For Human Genetics Tuebingen Variant Classification Criteria Version 2. Collection method: clinical testing. Allele origin: germline. Affected: yes. Observed: 1 variant allele.
Comment: NEB: BP4, BS1

GeneDx
Classification: Likely benign. Last evaluated: 2021-06-07. Review status: criteria provided, single submitter. Criteria: GeneDx Variant Classification Process June 2021. Collection method: clinical testing. Allele origin: germline. Affected: yes.

Breakthrough Genomics
Classification: Likely benign. Review status: criteria provided, single submitter. Criteria: ACMG Guidelines, 2015. Collection method: not provided. Allele origin: germline. Inheritance: Autosomal recessive inheritance. Affected: yes.